The following is an entry in ClinVar:

ClinVar aggregate classification (germline): Uncertain significance (1 of 4 stars; one submission).

Allele frequency attached by ClinVar (database versions not stated): gnomAD exomes below 0.00001.
gnomAD v4.1: 1 of 1,210,513 alleles (0.000083%); highest among the groups gnomAD compares: East Asian, 0.003%; no homozygotes.

Submission:

GeneDx
Classification: Uncertain significance. Last evaluated: 2019-03-27. Review status: criteria provided, single submitter. Criteria: GeneDx Variant Classification Process June 2021. Collection method: clinical testing. Allele origin: germline. Affected: yes.
Comment: Not observed in large population cohorts (Lek et al., 2016); In silico analysis, which includes protein predictors and evolutionary conservation, supports a deleterious effect; Has not been previously published as pathogenic or benign to our knowledge

NM_001039591.3(USP9X):c.3239T>C (p.Phe1080Ser)

Gene: USP9X (ubiquitin specific peptidase 9 X-linked; plus strand). Cytogenetic location: Xp11.4.
Variant type: single nucleotide variant.
Coding change: c.3239T>C on transcript NM_001039591.3 (MANE Select); coding-DNA position 3239, T replaced by C.
Protein change: p.Phe1080Ser; replaces phenylalanine 1080 with serine.
Molecular consequence: missense variant.
Genome position (GRCh38, 1-based): chrX:41,184,088, T>C. VCF-style: chrX-41184088-T-C. GRCh37 (hg19) VCF-style: chrX-41043341-T-C.
Other names: c.3239T>C, p.Phe1080Ser (NM_001039590.3); short protein forms F1080S.
Identifiers: ClinVar variation 1308270 (VCV001308270.2), dbSNP rs2147157524, ClinGen allele CA412764165.